The following is an entry in ClinVar:

ClinVar aggregate classification (germline): not provided (0 of 4 stars; one submission).

Conditions:
DDX41-related hematologic malignancy predisposition syndrome. Also called: Myeloproliferative/lymphoproliferative neoplasms, familial (multiple types), susceptibility to; DDX41-Associated Familial Myelodysplastic Syndrome and Acute Myeloid Leukemia. Identifiers: Orphanet 488647, MedGen C4225174, MONDO:0014809, OMIM 616871.

Allele frequency attached by ClinVar (database versions not stated): gnomAD exomes below 0.00001; ExAC 0.00001.

Submission:

GeneReviews
No classification provided. Condition: DDX41-related hematologic malignancy predisposition syndrome. Review status: no classification provided. Collection method: literature only. Allele origin: germline.
Comment: Recurrent germline variant in persons of Thai ancestry [Polprasert et al 2020]

Literature cited by the submitters: PubMed 31713024.

NM_016222.4(DDX41):c.62_63del (p.Ser21fs)

Gene: DDX41 (DEAD-box helicase 41; minus strand). Cytogenetic location: 5q35.3.
Variant type: Deletion.
Coding change: c.62_63del on transcript NM_016222.4 (MANE Select); coding-DNA positions 62 to 63, 2 bases deleted (GC; older notation c.62_63delGC).
Protein change: p.Ser21fs; shifts the reading frame from serine 21.
Molecular consequence: frameshift variant. On other transcripts: 5 prime UTR variant (2).
Genome position (GRCh38, 1-based): chr5:177,516,800-177,516,801, GC deleted on the plus strand (GC on the coding strand, the reverse complement: DDX41 is on the minus strand). VCF-style (leftmost placement, unchanged base first): chr5-177516799-GGC-G. GRCh37 (hg19) VCF-style: chr5-176943800-GGC-G.
Other names: c.-594_-593del (NM_001321732.2); c.-386_-385del (NM_001321830.2); c.62_63delGC (NM_016222.4); short protein forms S21fs.
Identifiers: ClinVar variation 1312510 (VCV001312510.2), dbSNP rs756004929, ClinGen allele CA3585390.